The following is an entry in ClinVar:

ClinVar aggregate classification (germline): Uncertain significance (1 of 4 stars; one submission).

Submission:

Labcorp Genetics (formerly Invitae), Labcorp
Classification: Uncertain significance. Last evaluated: 2022-04-01. Review status: criteria provided, single submitter. Criteria: Invitae Variant Classification Sherloc (09022015). Collection method: clinical testing. Allele origin: germline.
Comment: This sequence change replaces leucine, which is neutral and non-polar, with proline, which is neutral and non-polar, at codon 1445 of the LAMC3 protein (p.Leu1445Pro). This variant is not present in population databases (gnomAD no frequency). This variant has not been reported in the literature in individuals affected with LAMC3-related conditions. Algorithms developed to predict the effect of missense changes on protein structure and function are either unavailable or do not agree on the potential impact of this missense change (SIFT: "Tolerated"; PolyPhen-2: "Possibly Damaging"; Align-GVGD: "Class C0"). In summary, the available evidence is currently insufficient to determine the role of this variant in disease. Therefore, it has been classified as a Variant of Uncertain Significance.

NM_006059.4(LAMC3):c.4334T>C (p.Leu1445Pro)

Gene: LAMC3 (laminin subunit gamma 3; plus strand). Cytogenetic location: 9q34.12.
Variant type: single nucleotide variant.
Coding change: c.4334T>C on transcript NM_006059.4 (MANE Select); coding-DNA position 4334, T replaced by C.
Protein change: p.Leu1445Pro; replaces leucine 1445 with proline.
Molecular consequence: missense variant.
Genome position (GRCh38, 1-based): chr9:131,087,579, T>C. VCF-style: chr9-131087579-T-C. GRCh37 (hg19) VCF-style: chr9-133962966-T-C.
Other names: short protein forms L1445P.
Identifiers: ClinVar variation 2120568 (VCV002120568.4), dbSNP rs2538328561, ClinGen allele CA375265530.